The following is an entry in ClinVar:

ClinVar aggregate classification (germline): Uncertain significance. Review status: criteria provided, multiple submitters, no conflicts (2 of 4 stars). 2 submissions from 2 submitters: Uncertain significance (2). Last evaluated 2022-07-19.

Conditions:
Joubert syndrome 25 (JBTS25). Identifiers: Orphanet 475, MedGen C4084842, MONDO:0014770, OMIM 616781.

Allele frequency attached by ClinVar (database versions not stated): gnomAD exomes 0.00001 and 0.00004; ExAC 0.00006; gnomAD 0.00011; ESP Exome Variant Server 0.00015; 1000 Genomes Project 30x 0.00016; TOPMed 0.00017; 1000 Genomes Project 0.00020.
gnomAD v4.1: 31 of 1,613,002 alleles (0.0019%); highest among the groups gnomAD compares: African/African-American, 0.041%; no homozygotes.

Submissions (2):

Labcorp Genetics (formerly Invitae), Labcorp
Classification: Uncertain significance for Joubert syndrome 25. Last evaluated: 2022-07-19. Review status: criteria provided, single submitter. Criteria: Invitae Variant Classification Sherloc (09022015). Collection method: clinical testing. Allele origin: germline.
Comment: This variant has not been reported in the literature in individuals affected with CEP104-related conditions. This variant is present in population databases (rs200748628, gnomAD 0.05%). This sequence change falls in intron 9 of the CEP104 gene. It does not directly change the encoded amino acid sequence of the CEP104 protein. ClinVar contains an entry for this variant (Variation ID: 643732). In summary, the available evidence is currently insufficient to determine the role of this variant in disease. Therefore, it has been classified as a Variant of Uncertain Significance. Algorithms developed to predict the effect of sequence changes on RNA splicing suggest that this variant may create or strengthen a splice site.

GeneDx
Classification: Uncertain significance. Last evaluated: 2022-04-05. Review status: criteria provided, single submitter. Criteria: GeneDx Variant Classification Process June 2021. Collection method: clinical testing. Allele origin: germline. Affected: yes.
Comment: In silico analysis supports a deleterious effect on splicing; Has not been previously published as pathogenic or benign to our knowledge

NM_014704.4(CEP104):c.1120-5T>A

Gene: CEP104 (centrosomal protein 104; minus strand). Cytogenetic location: 1p36.32.
Variant type: single nucleotide variant.
Coding change: c.1120-5T>A on transcript NM_014704.4 (MANE Select); 5 bases into the intron before coding-DNA position 1120, T replaced by A.
Molecular consequence: intron variant.
Genome position (GRCh38, 1-based): chr1:3,836,697, A>T on the plus strand (T>A on the coding strand, the complement: CEP104 is on the minus strand). VCF-style: chr1-3836697-A-T. GRCh37 (hg19) VCF-style: chr1-3753261-A-T.
Identifiers: ClinVar variation 643732 (VCV000643732.10), dbSNP rs200748628, ClinGen allele CA551710.